The following is an entry in ClinVar:

ClinVar aggregate classification (germline): Pathogenic (1 of 4 stars; one submission).

Submission:

ISCA Site 6
Classification: Pathogenic. Last evaluated: 2011-08-12. Review status: criteria provided, single submitter. Criteria: Kaminsky et al. (Genet Med. 2011). Collection method: clinical testing. Allele origin: unknown. Affected: yes. Observed: 1 variant allele.
Comment: Copy number variation identified through the course of routine clinical cytogenomic testing in postnatal populations. Clinical assertions have been curated as described in Kaminsky et al. 2011.

GRCh38/hg38 1q21.1(chr1:145625047-146021303)x1

Genes: ANKRD34A (ankyrin repeat domain 34A; minus strand), ANKRD35 (ankyrin repeat domain 35; minus strand), ANKRD35-DT (ANKRD35 divergent transcript; plus strand), CD160 (CD160 molecule; plus strand), GPHRA (golgi pH regulator A; plus strand) and 40 more. Cytogenetic location: 1q21.1.
Variant type: copy number loss.
Change: copy number 1 (one copy instead of two) of chr1:145,625,047-146,021,303 (396.3 kb, GRCh38 coordinates, 1-based), cytogenetic band 1q21.1.
Identifiers: ClinVar variation 59872 (VCV000059872.2).